The following is an entry in ClinVar:

ClinVar aggregate classification (germline): Uncertain significance (1 of 4 stars; one submission).

Conditions:
Cardiovascular phenotype. Identifiers: MedGen CN230736.

Submission:

Ambry Genetics
Classification: Uncertain significance for Cardiovascular phenotype. Last evaluated: 2021-07-18. Review status: criteria provided, single submitter. Criteria: Ambry Variant Classification Scheme 2023. Collection method: clinical testing. Allele origin: germline.
Comment: The p.N112K variant (also known as c.336C>G), located in coding exon 3 of the SCN4B gene, results from a C to G substitution at nucleotide position 336. The asparagine at codon 112 is replaced by lysine, an amino acid with similar properties. This amino acid position is conserved. In addition, this alteration is predicted to be tolerated by in silico analysis. Since supporting evidence is limited at this time, the clinical significance of this alteration remains unclear.

NM_174934.4(SCN4B):c.336C>G (p.Asn112Lys)

Genes: SCN4B (sodium voltage-gated channel beta subunit 4; minus strand), LOC126861356 (BRD4-independent group 4 enhancer GRCh37_chr11:118014519-118015718; plus strand). Cytogenetic location: 11q23.3.
Variant type: single nucleotide variant.
Coding change: c.336C>G on transcript NM_174934.4 (MANE Select); coding-DNA position 336, C replaced by G.
Protein change: p.Asn112Lys; replaces asparagine 112 with lysine.
Molecular consequence: missense variant. On other transcripts: intron variant (1).
Genome position (GRCh38, 1-based): chr11:118,143,960, G>C on the plus strand (C>G on the coding strand, the complement: SCN4B is on the minus strand). VCF-style: chr11-118143960-G-C. GRCh37 (hg19) VCF-style: chr11-118014675-G-C.
Other names: c.6C>G, p.Asn2Lys (NM_001142349.2); c.62-2624C>G (NM_001142348.2); short protein forms N112K, N2K.
Identifiers: ClinVar variation 1730700 (VCV001730700.2), dbSNP rs2497564176, ClinGen allele CA382778234.
Genomic context (GRCh38, chr11:118,143,960, plus strand): 5'-ATGGCAGGTGTATTTGCCCGTGTCGCTGAACTCCAGGTCCCTCAGCACAATGGAAATGTT[G>C]TTCATCTTCTCCTTAGTAGAGCCTACCAGAGTGATGCGGTCATCGTCTTTCAACGTCACC-3'
Protein context (NP_777594.1, residues 102-122): TLVGSTKEKM[Asn112Lys]NISIVLRDLE